The following is an entry in ClinVar:

ClinVar aggregate classification (germline): Likely pathogenic (1 of 4 stars; one submission).

Conditions:
Inborn genetic diseases. Identifiers: MedGen C0950123, MeSH D030342.

Submission:

Ambry Genetics
Classification: Likely pathogenic for Inborn genetic diseases. Last evaluated: 2026-08-05. Review status: criteria provided, single submitter. Criteria: Ambry Variant Classification Scheme 2023. Collection method: clinical testing. Allele origin: germline.
Comment: The c.880-1G>A intronic variant consists of a G to A substitution one nucleotide before exon 10 (coding exon 8) of the RERE gene. Variants that disrupt the canonical splice site are expected to cause aberrant splicing, resulting in an abnormal protein or a transcript that is subject to nonsense-mediated mRNA decay. This variant was not reported in population-based cohorts in the Genome Aggregation Database (gnomAD). This nucleotide position is highly conserved in available vertebrate species. In silico splice site analysis predicts that this alteration will weaken the native splice acceptor site and may result in the creation or strengthening of a novel splice acceptor site. Based on the available evidence, this alteration is classified as likely pathogenic.

NM_001042681.2(RERE):c.880-1G>A

Gene: RERE (arginine-glutamic acid dipeptide repeats; minus strand). Cytogenetic location: 1p36.23.
Variant type: single nucleotide variant.
Coding change: c.880-1G>A on transcript NM_001042681.2 (MANE Select); the canonical splice acceptor site of the intron before coding-DNA position 880, G replaced by A.
Molecular consequence: splice acceptor variant.
Genome position (GRCh38, 1-based): chr1:8,497,530, C>T on the plus strand (G>A on the coding strand, the complement: RERE is on the minus strand). VCF-style: chr1-8497530-C-T. GRCh37 (hg19) VCF-style: chr1-8557590-C-T.
Other names: c.880-1G>A (NM_012102.4).
Identifiers: ClinVar variation 5028136 (VCV005028136.1).